The following is an entry in ClinVar:

NM_000268.4(NF2):c.810+246A>G

Gene: NF2 (NF2, moesin-ezrin-radixin like (MERLIN) tumor suppressor; plus strand). Cytogenetic location: 22q12.2.
Variant type: single nucleotide variant.
Coding change: c.810+246A>G on transcript NM_000268.4 (MANE Select); 246 bases into the intron after coding-DNA position 810, A replaced by G.
Molecular consequence: intron variant.
Genome position (GRCh38, 1-based): chr22:29,661,585, A>G. VCF-style: chr22-29661585-A-G. GRCh37 (hg19) VCF-style: chr22-30057574-A-G.
Other names: c.810+246A>G (NM_016418.5, NM_181832.3, NM_181825.3); c.447+19300A>G (NM_181833.3); c.687+246A>G (NM_181829.3); c.684+246A>G (NM_181828.3); c.561+246A>G (NM_181830.3, NM_181831.3).
Identifiers: ClinVar variation 676988 (VCV000676988.1), dbSNP rs2857641, ClinGen allele CA14993194.

ClinVar aggregate classification (germline): Benign (1 of 4 stars; one submission).

Allele frequency attached by ClinVar (database versions not stated): 1000 Genomes Project 30x 0.30028; 1000 Genomes Project 0.30032; TOPMed 0.36712; gnomAD 0.37238 and 0.37633.
gnomAD v4.1: 56,742 of 152,126 alleles (37%); highest among the groups gnomAD compares: Non-Finnish European, 47%; 11,290 homozygotes.

Submission:

GeneDx
Classification: Benign. Last evaluated: 2018-06-18. Review status: criteria provided, single submitter. Criteria: GeneDx Variant Classification (06012015). Collection method: clinical testing. Allele origin: germline. Affected: yes.
Comment: This variant is considered likely benign or benign based on one or more of the following criteria: it is a conservative change, it occurs at a poorly conserved position in the protein, it is predicted to be benign by multiple in silico algorithms, and/or has population frequency not consistent with disease.